The following is an entry in ClinVar:

ClinVar aggregate classification (germline): Uncertain significance. Review status: criteria provided, multiple submitters, no conflicts (2 of 4 stars). 3 submissions from 3 submitters: Uncertain significance (3). Last evaluated 2023-04-11.

Conditions:
Developmental and epileptic encephalopathy, 23 (DEE23). Also called: Epileptic encephalopathy, early infantile, 23. Identifiers: Orphanet 411986, MedGen C4014492, MONDO:0014371, OMIM 615859.

Allele frequency attached by ClinVar (database versions not stated): gnomAD exomes 0.00007 and 0.00012; TOPMed 0.00010; gnomAD 0.00011; ExAC 0.00012; 1000 Genomes Project 0.00020; ESP Exome Variant Server 0.00023; 1000 Genomes Project 30x 0.00031.
gnomAD v4.1: 180 of 1,570,624 alleles (0.011%); highest among the groups gnomAD compares: South Asian, 0.036%; no homozygotes.

Submissions (3):

Genome-Nilou Lab
Classification: Uncertain significance for Developmental and epileptic encephalopathy, 23. Last evaluated: 2023-04-11. Review status: criteria provided, single submitter. Criteria: ACMG Guidelines, 2015. Collection method: clinical testing. Allele origin: germline. Affected: no.

Labcorp Genetics (formerly Invitae), Labcorp
Classification: Uncertain significance for Developmental and epileptic encephalopathy, 23. Last evaluated: 2022-10-13. Review status: criteria provided, single submitter. Criteria: Invitae Variant Classification Sherloc (09022015). Collection method: clinical testing. Allele origin: germline.
Comment: This sequence change replaces methionine, which is neutral and non-polar, with valine, which is neutral and non-polar, at codon 674 of the DOCK7 protein (p.Met674Val). This variant is present in population databases (rs115733789, gnomAD 0.01%). This variant has not been reported in the literature in individuals affected with DOCK7-related conditions. ClinVar contains an entry for this variant (Variation ID: 569508). Advanced modeling of protein sequence and biophysical properties (such as structural, functional, and spatial information, amino acid conservation, physicochemical variation, residue mobility, and thermodynamic stability) performed at Invitae indicates that this missense variant is not expected to disrupt DOCK7 protein function. In summary, the available evidence is currently insufficient to determine the role of this variant in disease. Therefore, it has been classified as a Variant of Uncertain Significance.

GeneDx
Classification: Uncertain significance. Last evaluated: 2022-08-26. Review status: criteria provided, single submitter. Criteria: GeneDx Variant Classification Process June 2021. Collection method: clinical testing. Allele origin: germline. Affected: yes.
Comment: Not observed at significant frequency in large population cohorts (gnomAD); In silico analysis supports that this missense variant does not alter protein structure/function; Has not been previously published as pathogenic or benign to our knowledge

NM_001367561.1(DOCK7):c.2020A>G (p.Met674Val)

Gene: DOCK7 (dedicator of cytokinesis 7; minus strand). Cytogenetic location: 1p31.3.
Variant type: single nucleotide variant.
Coding change: c.2020A>G on transcript NM_001367561.1 (MANE Select); coding-DNA position 2020, A replaced by G.
Protein change: p.Met674Val; replaces methionine 674 with valine.
Molecular consequence: missense variant.
Genome position (GRCh38, 1-based): chr1:62,577,354, T>C on the plus strand (A>G on the coding strand, the complement: DOCK7 is on the minus strand). VCF-style: chr1-62577354-T-C. GRCh37 (hg19) VCF-style: chr1-63043025-T-C.
Other names: c.2020A>G, p.Met674Val (NM_001271999.2, NM_001272000.2, NM_001272001.2 and 2 more transcripts); short protein forms M674V.
Identifiers: ClinVar variation 569508 (VCV000569508.7), dbSNP rs115733789, ClinGen allele CA886376.